The following is an entry in ClinVar:

ClinVar aggregate classification (germline): Uncertain significance. Review status: criteria provided, multiple submitters, no conflicts (2 of 4 stars). 2 submissions from 2 submitters: Uncertain significance (2). Last evaluated 2026-06-07.

Conditions:
CNNM2-related disorder. Also called: CNNM2-related condition.

Submissions (2):

Revvity Omics, Revvity
Classification: Uncertain significance. Last evaluated: 2026-06-07. Review status: criteria provided, single submitter. Criteria: ACMG Guidelines, 2015. Collection method: clinical testing. Allele origin: germline.

PreventionGenetics, part of Exact Sciences
Classification: Uncertain significance for CNNM2-related condition. Last evaluated: 2023-04-12. Review status: criteria provided, single submitter. Criteria: ACMG Guidelines, 2015. Collection method: clinical testing. Allele origin: germline.
Comment: The CNNM2 c.112C>T variant is predicted to result in the amino acid substitution p.Arg38Trp. To our knowledge, this variant has not been reported in the literature or in a large population database, indicating this variant is rare. At this time, the clinical significance of this variant is uncertain due to the absence of conclusive functional and genetic evidence.

NM_017649.5(CNNM2):c.112C>T (p.Arg38Trp)

Gene: CNNM2 (cyclin and CBS domain divalent metal cation transport mediator 2; plus strand). Cytogenetic location: 10q24.32.
Variant type: single nucleotide variant.
Coding change: c.112C>T on transcript NM_017649.5 (MANE Select); coding-DNA position 112, C replaced by T.
Protein change: p.Arg38Trp; replaces arginine 38 with tryptophan.
Molecular consequence: missense variant.
Genome position (GRCh38, 1-based): chr10:102,918,592, C>T. VCF-style: chr10-102918592-C-T. GRCh37 (hg19) VCF-style: chr10-104678349-C-T.
Other names: c.112C>T, p.Arg38Trp (NM_199076.3, NM_199077.3); short protein forms R38W.
Identifiers: ClinVar variation 2633481 (VCV002633481.2), dbSNP rs1480720023, ClinGen allele CA377953844.